The following is an entry in ClinVar:

ClinVar aggregate classification (germline): Uncertain significance (1 of 4 stars; one submission).

Conditions:
Cardiovascular phenotype. Identifiers: MedGen CN230736.

Allele frequency attached by ClinVar (database versions not stated): gnomAD exomes below 0.00001; gnomAD 0.00001; TOPMed 0.00001.
gnomAD v4.1: 4 of 1,614,046 alleles (0.00025%); highest among the groups gnomAD compares: African/African-American, 0.0013%; no homozygotes.

Submission:

Ambry Genetics
Classification: Uncertain significance for Cardiovascular phenotype. Last evaluated: 2019-04-26. Review status: criteria provided, single submitter. Criteria: Ambry Variant Classification Scheme 2023. Collection method: clinical testing. Allele origin: germline.
Comment: The p.A2815S variant (also known as c.8443G>T), located in coding exon 34 of the TTN gene, results from a G to T substitution at nucleotide position 8443. The alanine at codon 2815 is replaced by serine, an amino acid with similar properties. This amino acid position is well conserved in available vertebrate species. In addition, this alteration is predicted to be tolerated by in silico analysis. Since supporting evidence is limited at this time, the clinical significance of this alteration remains unclear.

NM_001267550.2(TTN):c.8581G>T (p.Ala2861Ser)

Gene: TTN (titin; minus strand). Cytogenetic location: 2q31.2.
Variant type: single nucleotide variant.
Coding change: c.8581G>T on transcript NM_001267550.2 (MANE Select); coding-DNA position 8581, G replaced by T.
Protein change: p.Ala2861Ser; replaces alanine 2861 with serine.
Molecular consequence: missense variant.
Genome position (GRCh38, 1-based): chr2:178,770,120, C>A on the plus strand (G>T on the coding strand, the complement: TTN is on the minus strand). VCF-style: chr2-178770120-C-A. GRCh37 (hg19) VCF-style: chr2-179634847-C-A.
Other names: c.8581G>T, p.Ala2861Ser (NM_001256850.1, NM_133378.4, NM_133379.5); c.8443G>T, p.Ala2815Ser (NM_003319.4, NM_133432.3, NM_133437.4); short protein forms A2815S, A2861S.
Identifiers: ClinVar variation 1763407 (VCV001763407.2), dbSNP rs1383547916, ClinGen allele CA349677064.